The following is an entry in ClinVar:

NM_001199397.3(NEK1):c.464+6A>G

Gene: NEK1 (NIMA related kinase 1; minus strand). Cytogenetic location: 4q33.
Variant type: single nucleotide variant.
Coding change: c.464+6A>G on transcript NM_001199397.3 (MANE Select); 6 bases into the intron after coding-DNA position 464, A replaced by G.
Molecular consequence: intron variant.
Genome position (GRCh38, 1-based): chr4:169,589,441, T>C on the plus strand (A>G on the coding strand, the complement: NEK1 is on the minus strand). VCF-style: chr4-169589441-T-C. GRCh37 (hg19) VCF-style: chr4-170510592-T-C.
Other names: c.464+6A>G (NM_001374421.1, NM_001374420.1, NM_001199399.3 and 7 more transcripts).
Identifiers: ClinVar variation 1500535 (VCV001500535.9), dbSNP rs550184264, ClinGen allele CA3138024.

ClinVar aggregate classification (germline): Conflicting classifications of pathogenicity. Review status: criteria provided, conflicting classifications (1 of 4 stars). 2 submissions from 2 submitters: Uncertain significance (1); Likely benign (1). Last evaluated 2025-06-24.

Conditions:
Short-rib thoracic dysplasia 6 with or without polydactyly (SRTD6). Also called: POLYDACTYLY WITH NEONATAL CHONDRODYSTROPHY, TYPE II; Majewski Syndrome; SHORT RIB-POLYDACTYLY SYNDROME, TYPE IIA; SHORT-RIB THORACIC DYSPLASIA 6 WITH POLYDACTYLY; SHORT-RIB THORACIC DYSPLASIA 6 WITHOUT POLYDACTYLY. Identifiers: MedGen C0024507, MONDO:0009894, OMIM 263520.

Allele frequency attached by ClinVar (database versions not stated): gnomAD exomes below 0.00001 and 0.00002; TOPMed 0.00001; gnomAD 0.00003; ExAC 0.00005; 1000 Genomes Project 30x 0.00031; 1000 Genomes Project 0.00040.
gnomAD v4.1: 16 of 1,448,142 alleles (0.0011%); highest among the groups gnomAD compares: East Asian, 0.02%; no homozygotes.

Submissions (2):

Labcorp Genetics (formerly Invitae), Labcorp
Classification: Uncertain significance for Short-rib thoracic dysplasia 6 with or without polydactyly. Last evaluated: 2025-06-24. Review status: criteria provided, single submitter. Criteria: Invitae Variant Classification Sherloc (09022015). Collection method: clinical testing. Allele origin: germline.
Comment: This sequence change falls in intron 6 of the NEK1 gene. It does not directly change the encoded amino acid sequence of the NEK1 protein. It affects a nucleotide within the consensus splice site. This variant is present in population databases (rs550184264, gnomAD 0.03%). This variant has not been reported in the literature in individuals affected with NEK1-related conditions. ClinVar contains an entry for this variant (Variation ID: 1500535). Variants that disrupt the consensus splice site are a relatively common cause of aberrant splicing (PMID: 17576681, 9536098). Algorithms developed to predict the effect of sequence changes on RNA splicing suggest that this variant is not likely to affect RNA splicing. In summary, the available evidence is currently insufficient to determine the role of this variant in disease. Therefore, it has been classified as a Variant of Uncertain Significance.

Blueprint Genetics
Classification: Likely benign. Last evaluated: 2024-10-23. Review status: criteria provided, single submitter. Criteria: ACMG Guidelines, 2015. Collection method: clinical testing. Allele origin: germline.

Literature cited by the submitters: PubMed 17576681 (cited by Labcorp Genetics (formerly Invitae), Labcorp); PubMed 9536098 (cited by Labcorp Genetics (formerly Invitae), Labcorp).